The following is an entry in ClinVar:

NC_000009.12:g.35657832C>T

Gene: RMRP (RNA component of mitochondrial RNA processing endoribonuclease; minus strand). Cytogenetic location: 9p13.3.
Variant type: single nucleotide variant.
Genome position: GRCh38 VCF-style: chr9-35657832-C-T. GRCh37 (hg19) VCF-style: chr9-35657829-C-T.
Identifiers: ClinVar variation 2168459 (VCV002168459.2), dbSNP rs1314916789, ClinGen allele CA464450610.

ClinVar aggregate classification (germline): Uncertain significance (1 of 4 stars; one submission).

Conditions:
Anauxetic dysplasia. Identifiers: Orphanet 93347, MedGen C1846796, MONDO:0011773.

Allele frequency attached by ClinVar (database versions not stated): gnomAD exomes 0.00001; TOPMed 0.00003.
gnomAD v4.1: 6 of 693,204 alleles (0.00087%); highest among the groups gnomAD compares: Non-Finnish European, 0.001%; no homozygotes.

Submission:

Labcorp Genetics (formerly Invitae), Labcorp
Classification: Uncertain significance for Anauxetic dysplasia. Last evaluated: 2025-07-22. Review status: criteria provided, single submitter. Criteria: Invitae Variant Classification Sherloc (09022015). Collection method: clinical testing. Allele origin: germline.
Comment: This variant occurs in the RMRP gene, which encodes an RNA molecule that does not result in a protein product. This variant is not present in population databases (gnomAD no frequency). This variant has not been reported in the literature in individuals affected with RMRP-related conditions. ClinVar contains an entry for this variant (Variation ID: 2168459). Experimental studies and prediction algorithms are not available or were not evaluated, and the functional significance of this variant is currently unknown. In summary, the available evidence is currently insufficient to determine the role of this variant in disease. Therefore, it has been classified as a Variant of Uncertain Significance.